The following is an entry in ClinVar:

NM_000268.4(NF2):c.613A>G (p.Met205Val)

Gene: NF2 (NF2, moesin-ezrin-radixin like (MERLIN) tumor suppressor; plus strand). Cytogenetic location: 22q12.2.
Variant type: single nucleotide variant.
Coding change: c.613A>G on transcript NM_000268.4 (MANE Select); coding-DNA position 613, A replaced by G.
Protein change: p.Met205Val; replaces methionine 205 with valine.
Molecular consequence: missense variant. On other transcripts: non-coding transcript variant (1), intron variant (1).
Genome position (GRCh38, 1-based): chr22:29,658,202, A>G. VCF-style: chr22-29658202-A-G. GRCh37 (hg19) VCF-style: chr22-30054191-A-G.
Other names: c.613A>G, p.Met205Val (NM_181825.3, NM_181832.3, NM_016418.5); c.487A>G, p.Met163Val (NM_181828.3); c.490A>G, p.Met164Val (NM_181829.3); c.364A>G, p.Met122Val (NM_181830.3, NM_181831.3); c.447+15917A>G (NM_181833.3); short protein forms M205V, M163V, M122V, M164V.
Identifiers: ClinVar variation 237626 (VCV000237626.36), dbSNP rs141629512, ClinGen allele CA034441.

ClinVar aggregate classification (germline): Conflicting classifications of pathogenicity. Review status: criteria provided, conflicting classifications (1 of 4 stars). 10 submissions from 10 submitters: Uncertain significance (4); Benign (3); Likely benign (3). Last evaluated 2026-01-28.

Conditions:
Hereditary cancer-predisposing syndrome. Also called: Tumor predisposition; Hereditary neoplastic syndrome; Neoplastic Syndromes, Hereditary; Hereditary Cancer Syndrome. Identifiers: Orphanet 140162, MedGen C0027672, MeSH D009386, MONDO:0015356.
Neurofibromatosis, type 2 (SWNV). Also called: BILATERAL ACOUSTIC NEUROFIBROMATOSIS; NF2-Related Schwannomatosis; SCHWANNOMATOSIS, VESTIBULAR. Identifiers: Orphanet 637, MedGen C0027832, MONDO:0007039, OMIM 101000. Disease mechanism: loss of function.

Allele frequency attached by ClinVar (database versions not stated): gnomAD exomes 0.00008 and 0.00034; ExAC 0.00009; ESP Exome Variant Server 0.00015; gnomAD 0.00016; TOPMed 0.00017.
gnomAD v4.1: 511 of 1,614,044 alleles (0.032%); highest among the groups gnomAD compares: Non-Finnish European, 0.042%; no homozygotes.

Submissions (10):

Labcorp Genetics (formerly Invitae), Labcorp
Classification: Benign for Neurofibromatosis, type 2. Last evaluated: 2026-01-28. Review status: criteria provided, single submitter. Criteria: Invitae Variant Classification Sherloc (09022015). Collection method: clinical testing. Allele origin: germline.

All of Us Research Program, National Institutes of Health
Classification: Uncertain significance for Neurofibromatosis, type 2. Last evaluated: 2024-09-23. Review status: criteria provided, single submitter. Criteria: ACMG Guidelines, 2015. Collection method: clinical testing. Allele origin: germline. Inheritance: Autosomal dominant inheritance. Observed: 38 variant alleles, 38 heterozygotes.
Comment: This missense variant replaces methionine with valine at codon 205 of the NF2 protein. Computational prediction suggests that this variant may have deleterious impact on protein structure and function (internally defined REVEL score threshold >= 0.7, PMID: 27666373). To our knowledge, functional studies have not been reported for this variant. This variant has been reported in two individuals affected with multiple meningiomas or Neurofibromatosis type 2 (PMID: 15635074, 26073919). This variant has been identified in 24/282888 chromosomes in the general population by the Genome Aggregation Database (gnomAD). The available evidence is insufficient to determine the role of this variant in disease conclusively. Therefore, this variant is classified as a Variant of Uncertain Significance.

This study involves interpretation of variants in research participants for the purpose of population health screening. Participant phenotype was not available at the time of variant classification. Additional details can be found in publication PMID: 35346344, PMCID: PMC8962531

Color Diagnostics, LLC DBA Color Health
Classification: Uncertain significance for Neurofibromatosis, type 2. Last evaluated: 2024-03-21. Review status: criteria provided, single submitter. Criteria: ACMG Guidelines, 2015. Collection method: clinical testing. Allele origin: germline.
Comment: This missense variant replaces methionine with valine at codon 205 of the NF2 protein. Computational prediction suggests that this variant may have deleterious impact on protein structure and function. To our knowledge, functional studies have not been reported for this variant. This variant has been reported in two individuals affected with multiple meningiomas or Neurofibromatosis type 2 (PMID: 15635074, 26073919). This variant has been identified in 24/282888 chromosomes in the general population by the Genome Aggregation Database (gnomAD). The available evidence is insufficient to determine the role of this variant in disease conclusively. Therefore, this variant is classified as a Variant of Uncertain Significance.

GeneDx
Classification: Likely benign. Last evaluated: 2024-02-05. Review status: criteria provided, single submitter. Criteria: GeneDx Variant Classification Process June 2021. Collection method: clinical testing. Allele origin: germline. Affected: yes.
Comment: See Variant Classification Assertion Criteria.

Mayo Clinic Laboratories, Mayo Clinic
Classification: Benign. Last evaluated: 2023-11-16. Review status: criteria provided, single submitter. Criteria: ACMG Guidelines, 2015. Collection method: clinical testing. Allele origin: germline. Observed: 2 variant alleles.
Comment: BS1, BS2

Women's Health and Genetics/Laboratory Corporation of America, LabCorp
Classification: Likely benign. Last evaluated: 2023-01-12. Review status: criteria provided, single submitter. Criteria: LabCorp Variant Classification Summary - May 2015. Collection method: clinical testing. Allele origin: germline.
Comment: Variant summary: NF2 c.613A>G (p.Met205Val) results in a conservative amino acid change located in the FERM domain (IPR000299) of the encoded protein sequence. Four of five in-silico tools predict a benign effect of the variant on protein function. The variant allele was found at a frequency of 8.5e-05 in 282888 control chromosomes (gnomAD), predominantly at a frequency of 0.00018 within the Non-Finnish European subpopulation in the gnomAD database. The observed variant frequency within Non-Finnish European control individuals in the gnomAD database is approximately 9.5 fold of the estimated maximal expected allele frequency for a pathogenic variant in NF2 causing Neurofibromatosis Type 2 phenotype (1.9e-05), strongly suggesting that the variant is a benign polymorphism found primarily in populations of Non-Finnish European origin. Six ClinVar submitters have assessed the variant since 2014: two classified the variant as uncertain significance, two as likely benign, and two as benign. Based on the evidence outlined above, the variant was classified as likely benign.

Genome-Nilou Lab
Classification: Likely benign for Neurofibromatosis, type 2. Last evaluated: 2021-11-07. Review status: criteria provided, single submitter. Criteria: ACMG Guidelines, 2015. Collection method: clinical testing. Allele origin: germline. Affected: no.

Ambry Genetics
Classification: Benign for Hereditary cancer-predisposing syndrome. Last evaluated: 2021-05-21. Review status: criteria provided, single submitter. Criteria: Ambry Variant Classification Scheme 2023. Collection method: clinical testing. Allele origin: germline.

Mendelics
Classification: Uncertain significance for Neurofibromatosis, type 2. Last evaluated: 2018-07-02. Review status: criteria provided, single submitter. Criteria: Mendelics Assertion Criteria 2017. Collection method: clinical testing. Allele origin: unknown.

Laboratory for Molecular Medicine, Mass General Brigham Personalized Medicine
Classification: Uncertain significance. Last evaluated: 2016-06-23. Review status: criteria provided, single submitter. Criteria: LMM Criteria. Collection method: clinical testing. Allele origin: germline.
Comment: Variant identified in a genome or exome case(s) and assessed due to predicted null impact of the variant or pathogenic assertions in the literature or databases. Disclaimer: This variant has not undergone full assessment. The following are preliminary notes: Reported in 2 or 3 probands

Literature cited by the submitters: PubMed 15635074 (cited by 4 submitters); PubMed 26073919 (cited by 3 submitters); PubMed 35332608 (cited by Mayo Clinic Laboratories, Mayo Clinic); PubMed 16983642 (cited by Ambry Genetics).